The following is an entry in ClinVar:

NM_030665.4(RAI1):c.2323G>C (p.Ala775Pro)

Gene: RAI1 (retinoic acid induced 1; plus strand). Cytogenetic location: 17p11.2.
Variant type: single nucleotide variant.
Coding change: c.2323G>C on transcript NM_030665.4 (MANE Select); coding-DNA position 2323, G replaced by C.
Protein change: p.Ala775Pro; replaces alanine 775 with proline.
Molecular consequence: missense variant.
Genome position (GRCh38, 1-based): chr17:17,795,271, G>C. VCF-style: chr17-17795271-G-C. GRCh37 (hg19) VCF-style: chr17-17698585-G-C.
Other names: c.2323G>C (NM_030665.3); short protein forms A775P.
Identifiers: ClinVar variation 1464809 (VCV001464809.7), dbSNP rs779119454, ClinGen allele CA8418512.
Genomic context (GRCh38, chr17:17,795,271, plus strand): 5'-TGTCCCAGGTGGGGATTGCACCCTGGCGAGCTTACCAAGGGCCTGGAGCAGGGTGGGAAG[G>C]CCTCAGATGGCATCAGCAAAGGGGACACCCATGAGGCTTCGGCCTGCCTGGGCTTCCAGG-3'
Protein context (NP_109590.3, residues 765-785): LTKGLEQGGK[Ala775Pro]SDGISKGDTH

ClinVar aggregate classification (germline): Conflicting classifications of pathogenicity. Review status: criteria provided, conflicting classifications (1 of 4 stars). 2 submissions from 2 submitters: Uncertain significance (1); Benign (1). Last evaluated 2025-11-09.

Conditions:
RAI1-related disorder. Also called: RAI1-related condition.

Allele frequency attached by ClinVar (database versions not stated): gnomAD exomes below 0.00001; ExAC 0.00001; gnomAD 0.00001; TOPMed 0.00001.
gnomAD v4.1: 1 of 1,613,556 alleles (0.000062%); highest among the groups gnomAD compares: African/African-American, 0.0013%; no homozygotes.

Submissions (2):

Labcorp Genetics (formerly Invitae), Labcorp
Classification: Benign. Last evaluated: 2025-11-09. Review status: criteria provided, single submitter. Criteria: Invitae Variant Classification Sherloc (09022015). Collection method: clinical testing. Allele origin: germline.

PreventionGenetics, part of Exact Sciences
Classification: Uncertain significance for RAI1-related condition. Last evaluated: 2025-05-28. Review status: criteria provided, single submitter. Criteria: ACMG Guidelines, 2015. Collection method: clinical testing. Allele origin: germline.
Comment: The RAI1 c.2323G>C variant is predicted to result in the amino acid substitution p.Ala775Pro. To our knowledge, this variant has not been reported in the literature. This variant is reported in 0.0062% of alleles in individuals of African descent in gnomAD. At this time, the clinical significance of this variant is uncertain due to the absence of conclusive functional and genetic evidence.